The following is an entry in ClinVar:

ClinVar aggregate classification (germline): Uncertain significance (1 of 4 stars; one submission).

Conditions:
DNA ligase IV deficiency. Identifiers: Orphanet 99812, MedGen C1847827, MONDO:0011686, OMIM 606593.

Allele frequency attached by ClinVar (database versions not stated): TOPMed below 0.00001; gnomAD 0.00001.

Submission:

Labcorp Genetics (formerly Invitae), Labcorp
Classification: Uncertain significance for DNA ligase IV deficiency. Last evaluated: 2024-10-16. Review status: criteria provided, single submitter. Criteria: Invitae Variant Classification Sherloc (09022015). Collection method: clinical testing. Allele origin: germline.
Comment: This sequence change replaces glutamic acid, which is acidic and polar, with lysine, which is basic and polar, at codon 546 of the LIG4 protein (p.Glu546Lys). This variant is not present in population databases (gnomAD no frequency). This variant has not been reported in the literature in individuals affected with LIG4-related conditions. ClinVar contains an entry for this variant (Variation ID: 978546). Invitae Evidence Modeling of protein sequence and biophysical properties (such as structural, functional, and spatial information, amino acid conservation, physicochemical variation, residue mobility, and thermodynamic stability) indicates that this missense variant is expected to disrupt LIG4 protein function with a positive predictive value of 95%. In summary, the available evidence is currently insufficient to determine the role of this variant in disease. Therefore, it has been classified as a Variant of Uncertain Significance.

NM_206937.2(LIG4):c.1636G>A (p.Glu546Lys)

Gene: LIG4 (DNA ligase 4; minus strand). Cytogenetic location: 13q33.3.
Variant type: single nucleotide variant.
Coding change: c.1636G>A on transcript NM_206937.2 (MANE Select); coding-DNA position 1636, G replaced by A.
Protein change: p.Glu546Lys; replaces glutamic acid 546 with lysine.
Molecular consequence: missense variant.
Genome position (GRCh38, 1-based): chr13:108,209,633, C>T on the plus strand (G>A on the coding strand, the complement: LIG4 is on the minus strand). VCF-style: chr13-108209633-C-T. GRCh37 (hg19) VCF-style: chr13-108861981-C-T.
Other names: c.1636G>A, p.Glu546Lys (NM_002312.3, NM_001098268.2, NM_001352598.2 and 6 more transcripts); c.1435G>A, p.Glu479Lys (NM_001330595.2); c.1672G>A, p.Glu558Lys (NM_001352604.2); short protein forms E479K, E546K, E558K.
Identifiers: ClinVar variation 978546 (VCV000978546.9), dbSNP rs1304694234, ClinGen allele CA388616601.